The following is an entry in ClinVar:

NM_004369.4(COL6A3):c.7094del

Gene: COL6A3 (collagen type VI alpha 3 chain; minus strand). Cytogenetic location: 2q37.3.
Variant type: Deletion.
Coding change: c.7094del on transcript NM_004369.4 (MANE Select); coding-DNA position 7094, one base deleted (G; older notation c.7094delG).
Genome position (GRCh38, 1-based): chr2:237,345,212, C deleted on the plus strand (G on the coding strand, the reverse complement: COL6A3 is on the minus strand); the first of 3 consecutive C bases (chr2:237,345,212-237,345,214); deleting any one gives the same sequence. VCF-style (leftmost placement, unchanged base first): chr2-237345211-AC-A. GRCh37 (hg19) VCF-style: chr2-238253854-AC-A.
Identifiers: ClinVar variation 2745670 (VCV002745670.4), dbSNP rs2469819229, ClinGen allele CA2697550607.

ClinVar aggregate classification (germline): Pathogenic. Review status: criteria provided, multiple submitters, no conflicts (2 of 4 stars). 2 submissions from 2 submitters: Pathogenic (2). Last evaluated 2024-12-18.

Conditions:
Bethlem myopathy 1A. Also called: Bethlem myopathy 1; Bethlem Muscular Dystrophy; MYOPATHY, BENIGN CONGENITAL, WITH CONTRACTURES. Identifiers: Orphanet 610, MedGen CN029274, MONDO:0024530, OMIM 158810.
Bethlem myopathy 1C (BTHLM1C). Identifiers: MedGen C5935581, MONDO:0958234, OMIM 620726.

Submissions (2):

Genomic Medicine Center of Excellence, King Faisal Specialist Hospital and Research Centre
Classification: Pathogenic for Bethlem myopathy 1C. Last evaluated: 2024-12-18. Review status: criteria provided, single submitter. Criteria: ACMG Guidelines, 2015. Collection method: clinical testing. Allele origin: germline.

Labcorp Genetics (formerly Invitae), Labcorp
Classification: Pathogenic for Bethlem myopathy 1A. Last evaluated: 2023-09-05. Review status: criteria provided, single submitter. Criteria: Invitae Variant Classification Sherloc (09022015). Collection method: clinical testing. Allele origin: germline.
Comment: For these reasons, this variant has been classified as Pathogenic. This variant has not been reported in the literature in individuals affected with COL6A3-related conditions. This variant is not present in population databases (gnomAD no frequency). This sequence change creates a premature translational stop signal (p.Gly2365Valfs*39) in the COL6A3 gene. It is expected to result in an absent or disrupted protein product. Loss-of-function variants in COL6A3 are known to be pathogenic (PMID: 26004199).

Literature cited by the submitters: PubMed 26004199 (cited by Labcorp Genetics (formerly Invitae), Labcorp).